The following is an entry in ClinVar:

ClinVar aggregate classification (germline): Likely benign. Review status: criteria provided, multiple submitters, no conflicts (2 of 4 stars). 2 submissions from 2 submitters: Likely benign (2). Last evaluated 2025-10-08.

Allele frequency attached by ClinVar (database versions not stated): gnomAD exomes 0.00004 and 0.00010; ExAC 0.00007; gnomAD 0.00009; TOPMed 0.00011; 1000 Genomes Project 30x 0.00016; 1000 Genomes Project 0.00020.
gnomAD v4.1: 93 of 1,614,138 alleles (0.0058%); highest among the groups gnomAD compares: East Asian, 0.1%; no homozygotes.

Submissions (2):

Labcorp Genetics (formerly Invitae), Labcorp
Classification: Likely benign. Last evaluated: 2025-10-08. Review status: criteria provided, single submitter. Criteria: Invitae Variant Classification Sherloc (09022015). Collection method: clinical testing. Allele origin: germline.

CeGaT Center for Human Genetics Tuebingen
Classification: Likely benign. Last evaluated: 2024-06-01. Review status: criteria provided, single submitter. Criteria: CeGaT Center For Human Genetics Tuebingen Variant Classification Criteria Version 2. Collection method: clinical testing. Allele origin: germline. Affected: yes. Observed: 1 variant allele.
Comment: MCM5: BP4, BP7

NM_006739.4(MCM5):c.1893C>T (p.Phe631=)

Gene: MCM5 (minichromosome maintenance complex component 5; plus strand). Cytogenetic location: 22q12.3.
Variant type: single nucleotide variant.
Coding change: c.1893C>T on transcript NM_006739.4 (MANE Select); coding-DNA position 1893, C replaced by T.
Protein change: p.Phe631=; no amino-acid change (phenylalanine 631 retained).
Molecular consequence: synonymous variant.
Genome position (GRCh38, 1-based): chr22:35,421,378, C>T. VCF-style: chr22-35421378-C-T. GRCh37 (hg19) VCF-style: chr22-35817371-C-T.
Identifiers: ClinVar variation 1505135 (VCV001505135.26), dbSNP rs545458717, ClinGen allele CA10205552.